The following is an entry in ClinVar:

NM_005535.3(IL12RB1):c.1451G>A (p.Arg484His)

Gene: IL12RB1 (interleukin 12 receptor subunit beta 1; minus strand). Cytogenetic location: 19p13.11.
Variant type: single nucleotide variant.
Coding change: c.1451G>A on transcript NM_005535.3 (MANE Select); coding-DNA position 1451, G replaced by A.
Protein change: p.Arg484His; replaces arginine 484 with histidine.
Molecular consequence: missense variant.
Genome position (GRCh38, 1-based): chr19:18,066,574, C>T on the plus strand (G>A on the coding strand, the complement: IL12RB1 is on the minus strand). VCF-style: chr19-18066574-C-T. GRCh37 (hg19) VCF-style: chr19-18177384-C-T.
Other names: c.1451G>A, p.Arg484His (NM_001290023.2); c.1571G>A, p.Arg524His (NM_001290024.2); short protein forms R484H, R524H.
Identifiers: ClinVar variation 541820 (VCV000541820.12), dbSNP rs199661046, ClinGen allele CA9304831.

ClinVar aggregate classification (germline): Uncertain significance. Review status: criteria provided, multiple submitters, no conflicts (2 of 4 stars). 3 submissions from 3 submitters: Uncertain significance (3). Last evaluated 2024-12-09.

Conditions:
Mendelian susceptibility to mycobacterial diseases due to complete IL12RB1 deficiency. Also called: IL12RB1 DEFICIENCY; Immunodeficiency 30. Identifiers: Orphanet 319552, MedGen C4013949, MONDO:0013955, OMIM 614891.

Allele frequency attached by ClinVar (database versions not stated): 1000 Genomes Project 30x 0.00141; gnomAD exomes 0.00012; TOPMed 0.00078; gnomAD 0.00057; ESP Exome Variant Server 0.00078; 1000 Genomes Project 0.00120; ExAC 0.00015.
gnomAD v4.1: 160 of 1,613,408 alleles (0.0099%); highest among the groups gnomAD compares: African/African-American, 0.15%; no homozygotes.

Submissions (3):

Labcorp Genetics (formerly Invitae), Labcorp
Classification: Uncertain significance for Mendelian susceptibility to mycobacterial diseases due to complete IL12RB1 deficiency. Last evaluated: 2024-12-09. Review status: criteria provided, single submitter. Criteria: Invitae Variant Classification Sherloc (09022015). Collection method: clinical testing. Allele origin: germline.
Comment: This sequence change replaces arginine, which is basic and polar, with histidine, which is basic and polar, at codon 484 of the IL12RB1 protein (p.Arg484His). This variant is present in population databases (rs199661046, gnomAD 0.1%). This variant has not been reported in the literature in individuals affected with IL12RB1-related conditions. ClinVar contains an entry for this variant (Variation ID: 541820). Invitae Evidence Modeling of protein sequence and biophysical properties (such as structural, functional, and spatial information, amino acid conservation, physicochemical variation, residue mobility, and thermodynamic stability) indicates that this missense variant is expected to disrupt IL12RB1 protein function with a positive predictive value of 80%. In summary, the available evidence is currently insufficient to determine the role of this variant in disease. Therefore, it has been classified as a Variant of Uncertain Significance.

New York Genome Center
Classification: Uncertain significance for Mendelian susceptibility to mycobacterial diseases due to complete IL12RB1 deficiency. Last evaluated: 2020-07-17. Review status: criteria provided, single submitter. Criteria: NYGC Assertion Criteria 2020. Collection method: clinical testing. Allele origin: germline. Observed: 1 heterozygote. Study: CSER-NYCKidSeq.

Illumina Laboratory Services, Illumina
Classification: Uncertain significance for Mendelian susceptibility to mycobacterial diseases due to complete IL12RB1 deficiency. Last evaluated: 2018-01-12. Review status: criteria provided, single submitter. Criteria: ICSL Variant Classification Criteria 13 December 2019. Collection method: clinical testing. Allele origin: germline.